The following is an entry in ClinVar:

ClinVar aggregate classification (germline): Uncertain significance (1 of 4 stars; one submission).

Conditions:
Autoimmune interstitial lung disease-arthritis syndrome. Also called: Autoinflammation and autoimmunity, systemic, with immune dysregulation. Identifiers: Orphanet 444092, MedGen C5975714, MONDO:0014629.

Allele frequency attached by ClinVar (database versions not stated): gnomAD 0.00001; ExAC 0.00002; TOPMed 0.00002.

Submission:

Labcorp Genetics (formerly Invitae), Labcorp
Classification: Uncertain significance for Autoimmune interstitial lung disease-arthritis syndrome. Last evaluated: 2025-08-24. Review status: criteria provided, single submitter. Criteria: Invitae Variant Classification Sherloc (09022015). Collection method: clinical testing. Allele origin: germline.
Comment: This sequence change falls in intron 3 of the COPA gene. It does not directly change the encoded amino acid sequence of the COPA protein. It affects a nucleotide within the consensus splice site. This variant is present in population databases (rs766246693, gnomAD 0.02%). This variant has not been reported in the literature in individuals affected with COPA-related conditions. ClinVar contains an entry for this variant (Variation ID: 947010). Variants that disrupt the consensus splice site are a relatively common cause of aberrant splicing (PMID: 17576681, 9536098). Algorithms developed to predict the effect of sequence changes on RNA splicing suggest that this variant is not likely to affect RNA splicing. In summary, the available evidence is currently insufficient to determine the role of this variant in disease. Therefore, it has been classified as a Variant of Uncertain Significance.

Literature cited by the submitters: PubMed 17576681; PubMed 9536098.

NM_004371.4(COPA):c.228+5A>G

Gene: COPA (coat protein complex I subunit alpha; minus strand). Cytogenetic location: 1q23.2.
Variant type: single nucleotide variant.
Coding change: c.228+5A>G on transcript NM_004371.4 (MANE Select); 5 bases into the intron after coding-DNA position 228, A replaced by G.
Molecular consequence: intron variant.
Genome position (GRCh38, 1-based): chr1:160,339,904, T>C on the plus strand (A>G on the coding strand, the complement: COPA is on the minus strand). VCF-style: chr1-160339904-T-C. GRCh37 (hg19) VCF-style: chr1-160309694-T-C.
Other names: c.228+5A>G (NM_001098398.2).
Identifiers: ClinVar variation 947010 (VCV000947010.9), dbSNP rs766246693, ClinGen allele CA1198438.